The following is an entry in ClinVar:

NM_000037.4(ANK1):c.4607G>C (p.Arg1536Pro)

Gene: ANK1 (ankyrin 1; minus strand). Cytogenetic location: 8p11.21.
Variant type: single nucleotide variant.
Coding change: c.4607G>C on transcript NM_000037.4 (MANE Select); coding-DNA position 4607, G replaced by C.
Protein change: p.Arg1536Pro; replaces arginine 1536 with proline.
Molecular consequence: missense variant. On other transcripts: intron variant (1).
Genome position (GRCh38, 1-based): chr8:41,672,843, C>G on the plus strand (G>C on the coding strand, the complement: ANK1 is on the minus strand). VCF-style: chr8-41672843-C-G. GRCh37 (hg19) VCF-style: chr8-41530361-C-G.
Other names: c.4730G>C, p.Arg1577Pro (NM_001142446.2); c.4607G>C, p.Arg1536Pro (NM_020475.3, NM_020476.3); c.4538-417G>C (NM_020477.3); short protein forms R1536P, R1577P.
Identifiers: ClinVar variation 3766751 (VCV003766751.2).

ClinVar aggregate classification (germline): Uncertain significance. Review status: criteria provided, multiple submitters, no conflicts (2 of 4 stars). 2 submissions from 2 submitters: Uncertain significance (2). Last evaluated 2026-08-01.

Conditions:
Hereditary spherocytosis type 1. Also called: Spherocytosis type 1; ANK1-Related Spherocytosis. Identifiers: Orphanet 822, MedGen C2674218, MONDO:0008447, OMIM 182900.

gnomAD v4.1: 56 of 1,611,638 alleles (0.0035%); highest among the groups gnomAD compares: South Asian, 0.054%; no homozygotes.

Submissions (2):

CeGaT Center for Human Genetics Tuebingen
Classification: Uncertain significance. Last evaluated: 2026-08-01. Review status: criteria provided, single submitter. Criteria: CeGaT Center For Human Genetics Tuebingen Variant Classification Criteria Version 2. Collection method: clinical testing. Allele origin: germline. Affected: yes. Observed: 1 variant allele.
Comment: ANK1: PM2, PS4:Supporting, BP4

ARUP Laboratories, Molecular Genetics and Genomics, ARUP Laboratories
Classification: Uncertain significance for Hereditary spherocytosis type 1. Last evaluated: 2024-07-29. Review status: criteria provided, single submitter. Criteria: ARUP Molecular Germline Variant Investigation Process 2024. Collection method: clinical testing. Allele origin: germline.
Comment: The ANK1 c.4607G>C; p.Arg1536Pro variant (rs767213092), also known as c.4730G>C; p.Arg1577Pro for NM_001142446, is reported in the literature in one individual affected with hereditary spherocytosis (Aggarwal 2020). This variant is found in the South Asian population with an allele frequency of 0.05% (16/30,488 alleles) in the Genome Aggregation Database (v2.1.1). Computational analyses predict that this variant is neutral (REVEL: 0.119). Due to limited information, the clinical significance of this variant is uncertain at this time. References: Aggarwal A et al. Deciphering molecular heterogeneity of Indian families with hereditary spherocytosis using targeted next-generation sequencing: First South Asian study. Br J Haematol. 2020 Mar;188(5):784-795. PMID: 31602632.